The following is an entry in ClinVar:

NM_001349.4(DARS1):c.1249G>A (p.Asp417Asn)

Gene: DARS1 (aspartyl-tRNA synthetase 1; minus strand). Cytogenetic location: 2q21.3.
Variant type: single nucleotide variant.
Coding change: c.1249G>A on transcript NM_001349.4 (MANE Select); coding-DNA position 1249, G replaced by A.
Protein change: p.Asp417Asn; replaces aspartic acid 417 with asparagine.
Molecular consequence: missense variant.
Genome position (GRCh38, 1-based): chr2:135,911,475, C>T on the plus strand (G>A on the coding strand, the complement: DARS1 is on the minus strand). VCF-style: chr2-135911475-C-T. GRCh37 (hg19) VCF-style: chr2-136669045-C-T.
Other names: c.949G>A, p.Asp317Asn (NM_001293312.1); short protein forms D317N, D417N.
Identifiers: ClinVar variation 2170806 (VCV002170806.1), dbSNP rs779248283, ClinGen allele CA1889510.

ClinVar aggregate classification (germline): Uncertain significance (1 of 4 stars; one submission).

Allele frequency attached by ClinVar (database versions not stated): ExAC 0.00001; gnomAD 0.00001; TOPMed 0.00001.
gnomAD v4.1: 3 of 997,834 alleles (0.0003%); highest among the groups gnomAD compares: East Asian, 0.0024%; no homozygotes.

Submission:

Labcorp Genetics (formerly Invitae), Labcorp
Classification: Uncertain significance. Last evaluated: 2022-09-29. Review status: criteria provided, single submitter. Criteria: Invitae Variant Classification Sherloc (09022015). Collection method: clinical testing. Allele origin: germline.
Comment: This sequence change replaces aspartic acid, which is acidic and polar, with asparagine, which is neutral and polar, at codon 417 of the DARS protein (p.Asp417Asn). This variant is present in population databases (rs779248283, gnomAD 0.006%). This variant has not been reported in the literature in individuals affected with DARS-related conditions. Advanced modeling of protein sequence and biophysical properties (such as structural, functional, and spatial information, amino acid conservation, physicochemical variation, residue mobility, and thermodynamic stability) performed at Invitae indicates that this missense variant is expected to disrupt DARS protein function. In summary, the available evidence is currently insufficient to determine the role of this variant in disease. Therefore, it has been classified as a Variant of Uncertain Significance.